The following is an entry in ClinVar:

NM_005902.4(SMAD3):c.16C>T (p.Pro6Ser)

Genes: SMAD3 (SMAD family member 3; plus strand), LOC130057352 (ATAC-STARR-seq lymphoblastoid silent region 6574; plus strand). Cytogenetic location: 15q22.33.
Variant type: single nucleotide variant.
Coding change: c.16C>T on transcript NM_005902.4 (MANE Select); coding-DNA position 16, C replaced by T.
Protein change: p.Pro6Ser; replaces proline 6 with serine.
Molecular consequence: missense variant.
Genome position (GRCh38, 1-based): chr15:67,066,170, C>T. VCF-style: chr15-67066170-C-T. GRCh37 (hg19) VCF-style: chr15-67358508-C-T.
Other names: c.16C>T, p.Pro6Ser (NM_001407011.1, NM_001407012.1, NM_001407013.1); short protein forms P6S.
Identifiers: ClinVar variation 4758789 (VCV004758789.1).
Genomic context (GRCh38, chr15:67,066,170, plus strand): 5'-GCCCCGCCGGGGGCGCTCCTCGCCGCCCGCGCGCCCTCCCCAGCCATGTCGTCCATCCTG[C>T]CTTTCACTCCCCCGATCGTGAAGCGCCTGCTGGGCTGGAAGAAGGGCGAGCAGAACGGGC-3'
Protein context (NP_005893.1, residues 1-16): MSSIL[Pro6Ser]FTPPIVKRLL

ClinVar aggregate classification (germline): Uncertain significance (1 of 4 stars; one submission).

Conditions:
Familial thoracic aortic aneurysm and aortic dissection (TAAD). Also called: Thoracic aortic aneurysms and dissections. Identifiers: Orphanet 91387, MedGen C4707243, MONDO:0019625.

gnomAD v4.1: 3 of 1,603,634 alleles (0.00019%); highest among the groups gnomAD compares: Non-Finnish European, 0.00026%; no homozygotes.

Submission:

Color Diagnostics, LLC DBA Color Health
Classification: Uncertain significance for Familial thoracic aortic aneurysm and aortic dissection. Last evaluated: 2025-06-09. Review status: criteria provided, single submitter. Criteria: ACMG Guidelines, 2015. Collection method: clinical testing. Allele origin: germline.
Comment: This missense variant replaces proline with serine at codon 6 of the SMAD3 protein. Computational prediction suggests that this variant may not impact protein structure and function. To our knowledge, functional studies have not been reported for this variant. This variant has not been reported in individuals affected with SMAD3-related disorders in the literature. This variant has not been identified in the general population by the Genome Aggregation Database (gnomAD). The available evidence is insufficient to determine the role of this variant in disease conclusively. Therefore, this variant is classified as a Variant of Uncertain Significance.